The following is an entry in ClinVar:

NM_000310.4(PPT1):c.59C>T (p.Ala20Val)

Gene: PPT1 (palmitoyl-protein thioesterase 1; minus strand). Cytogenetic location: 1p34.2.
Variant type: single nucleotide variant.
Coding change: c.59C>T on transcript NM_000310.4 (MANE Select); coding-DNA position 59, C replaced by T.
Protein change: p.Ala20Val; replaces alanine 20 with valine.
Molecular consequence: missense variant.
Genome position (GRCh38, 1-based): chr1:40,097,180, G>A on the plus strand (C>T on the coding strand, the complement: PPT1 is on the minus strand). VCF-style: chr1-40097180-G-A. GRCh37 (hg19) VCF-style: chr1-40562852-G-A.
Other names: c.59C>T, p.Ala20Val (NM_001142604.2, NM_001363695.2); short protein forms A20V.
Identifiers: ClinVar variation 465414 (VCV000465414.4), dbSNP rs1187613034, ClinGen allele CA339850771.

ClinVar aggregate classification (germline): Uncertain significance (1 of 4 stars; one submission).

Conditions:
Neuronal ceroid lipofuscinosis 1 (CLN1). Also called: CEROID LIPOFUSCINOSIS, NEURONAL, 1, VARIABLE AGE AT ONSET; PPT1-Related Neuronal Ceroid-Lipofuscinosis. Identifiers: Orphanet 228329, MedGen C1850451, MONDO:0009744, OMIM 256730.

Allele frequency attached by ClinVar (database versions not stated): gnomAD exomes below 0.00001.
gnomAD v4.1: 1 of 1,614,136 alleles (0.000062%); highest among the groups gnomAD compares: Admixed American, 0.0017%; no homozygotes.

Submission:

Labcorp Genetics (formerly Invitae), Labcorp
Classification: Uncertain significance for Neuronal ceroid lipofuscinosis 1. Last evaluated: 2022-10-04. Review status: criteria provided, single submitter. Criteria: Invitae Variant Classification Sherloc (09022015). Collection method: clinical testing. Allele origin: germline.
Comment: This sequence change replaces alanine, which is neutral and non-polar, with valine, which is neutral and non-polar, at codon 20 of the PPT1 protein (p.Ala20Val). This variant is present in population databases (no rsID available, gnomAD 0.003%). This variant has not been reported in the literature in individuals affected with PPT1-related conditions. ClinVar contains an entry for this variant (Variation ID: 465414). Advanced modeling of protein sequence and biophysical properties (such as structural, functional, and spatial information, amino acid conservation, physicochemical variation, residue mobility, and thermodynamic stability) performed at Invitae indicates that this missense variant is not expected to disrupt PPT1 protein function. In summary, the available evidence is currently insufficient to determine the role of this variant in disease. Therefore, it has been classified as a Variant of Uncertain Significance.